The following is an entry in ClinVar:

ClinVar aggregate classification (germline): Likely benign. Review status: criteria provided, multiple submitters, no conflicts (2 of 4 stars). 3 submissions from 3 submitters: Likely benign (2). 1 of the submissions does not count toward it. Last evaluated 2025-01-22.

Conditions:
SLC5A1-related disorder. Also called: SLC5A1-related condition.
Congenital glucose-galactose malabsorption (GGM). Also called: MONOSACCHARIDE MALABSORPTION; DIARRHEA 16. Identifiers: Orphanet 35710, MedGen C0268186, MONDO:0011731, OMIM 606824.

Allele frequency attached by ClinVar (database versions not stated): 1000 Genomes Project 30x 0.00016; 1000 Genomes Project 0.00020.
gnomAD v4.1: 18 of 1,612,450 alleles (0.0011%); highest among the groups gnomAD compares: African/African-American, 0.0053%; no homozygotes.

Submissions (3):

Labcorp Genetics (formerly Invitae), Labcorp
Classification: Likely benign for Congenital glucose-galactose malabsorption. Last evaluated: 2025-01-22. Review status: criteria provided, single submitter. Criteria: Invitae Variant Classification Sherloc (09022015). Collection method: clinical testing. Allele origin: germline.

Blueprint Genetics
Classification: Likely benign. Last evaluated: 2024-11-27. Review status: criteria provided, single submitter. Criteria: ACMG Guidelines, 2015. Collection method: clinical testing. Allele origin: germline.

PreventionGenetics, part of Exact Sciences
Classification: Likely benign for SLC5A1-related condition. Last evaluated: 2019-02-21. Review status: no assertion criteria provided. Collection method: clinical testing. Allele origin: germline. Not counted in ClinVar's aggregate classification.
Comment: This variant is classified as likely benign based on ACMG/AMP sequence variant interpretation guidelines (Richards et al. 2015 PMID: 25741868, with internal and published modifications).

NM_000343.4(SLC5A1):c.492G>A (p.Ser164=)

Gene: SLC5A1 (solute carrier family 5 member 1; plus strand). Cytogenetic location: 22q12.3.
Variant type: single nucleotide variant.
Coding change: c.492G>A on transcript NM_000343.4 (MANE Select); coding-DNA position 492, G replaced by A.
Protein change: p.Ser164=; no amino-acid change (serine 164 retained).
Molecular consequence: synonymous variant.
Genome position (GRCh38, 1-based): chr22:32,081,880, G>A. VCF-style: chr22-32081880-G-A. GRCh37 (hg19) VCF-style: chr22-32477867-G-A.
Other names: c.111G>A, p.Ser37= (NM_001256314.2).
Identifiers: ClinVar variation 3047725 (VCV003047725.5), dbSNP rs145808292, ClinGen allele CA323374538.